The following is an entry in ClinVar:

NM_000069.3(CACNA1S):c.5459T>C (p.Met1820Thr)

Gene: CACNA1S (calcium voltage-gated channel subunit alpha1 S; minus strand). Cytogenetic location: 1q32.1.
Variant type: single nucleotide variant.
Coding change: c.5459T>C on transcript NM_000069.3 (MANE Select); coding-DNA position 5459, T replaced by C.
Protein change: p.Met1820Thr; replaces methionine 1820 with threonine.
Molecular consequence: missense variant.
Genome position (GRCh38, 1-based): chr1:201,039,994, A>G on the plus strand (T>C on the coding strand, the complement: CACNA1S is on the minus strand). VCF-style: chr1-201039994-A-G. GRCh37 (hg19) VCF-style: chr1-201009122-A-G.
Other names: c.5459T>C (NM_000069.2); short protein forms M1820T.
Identifiers: ClinVar variation 3576590 (VCV003576590.2).
Genomic context (GRCh38, chr1:201,039,994, plus strand): 5'-TCTGGGGCCTCTCGTCCTTTCAGTAGCTCTGTTGCCATGATCTCCACTTCCTCTGGTTCC[A>G]TTTGGCAGGCATCTGCCAGGGCCTGGCCTGTTGCCATGATGAAGTTTGCATCAGCTGCCA-3'
Protein context (NP_000060.2, residues 1810-1830): TGQALADACQ[Met1820Thr]EPEEVEIMAT

ClinVar aggregate classification (germline): Uncertain significance. Review status: criteria provided, multiple submitters, no conflicts (2 of 4 stars). 2 submissions from 2 submitters: Uncertain significance (2). Last evaluated 2026-03-14.

Conditions:
Malignant hyperthermia, susceptibility to, 5 (MHS5). Also called: CACNA1S-Related Malignant Hyperthermia Susceptibility. Identifiers: Orphanet 423, MedGen C1866077, MONDO:0011163, OMIM 601887.
Hypokalemic periodic paralysis, type 1. Also called: Hypokalemic Periodic Paralysis Type 1 (AD); HypoPP. Identifiers: Orphanet 681, MedGen C3714580, MONDO:0042979, OMIM 170400.
Congenital myopathy 18. Also called: Myopathy, congenital, due to dihydropyridine receptor defect; DIHYDROPYRIDINE RECEPTOR CONGENITAL MYOPATHY; DHPR CONGENITAL MYOPATHY. Identifiers: MedGen C5830283, MONDO:0859514, OMIM 620246.
Thyrotoxic periodic paralysis, susceptibility to, 1 (TTPP1). Identifiers: Orphanet 79102, MedGen C2749982, MONDO:0008570, OMIM 188580.

Submissions (2):

GeneDx
Classification: Uncertain significance. Last evaluated: 2026-03-14. Review status: criteria provided, single submitter. Criteria: GeneDx Variant Classification Process June 2021. Collection method: clinical testing. Allele origin: germline.
Comment: Not observed at significant frequency in large population cohorts (gnomAD); In silico analysis supports that this missense variant has a deleterious effect on protein structure/function; Has not been previously published as pathogenic or benign to our knowledge

Fulgent Genetics
Classification: Uncertain significance for Hypokalemic periodic paralysis, type 1; Thyrotoxic periodic paralysis, susceptibility to, 1; Malignant hyperthermia, susceptibility to, 5; Congenital myopathy 18. Last evaluated: 2024-05-24. Review status: criteria provided, single submitter. Criteria: ACMG Guidelines, 2015. Collection method: clinical testing. Allele origin: germline.